The following is an entry in ClinVar:

ClinVar aggregate classification (germline): Uncertain significance (1 of 4 stars; one submission).

Conditions:
Spastic paraplegia. Identifiers: MedGen C0037772, HP:0001258.

Allele frequency attached by ClinVar (database versions not stated): gnomAD exomes below 0.00001; ExAC 0.00001.
gnomAD v4.1: 1 of 1,614,198 alleles (0.000062%); highest among the groups gnomAD compares: Non-Finnish European, 0.000085%; no homozygotes.

Submission:

Labcorp Genetics (formerly Invitae), Labcorp
Classification: Uncertain significance for Spastic paraplegia. Last evaluated: 2022-06-18. Review status: criteria provided, single submitter. Criteria: Invitae Variant Classification Sherloc (09022015). Collection method: clinical testing. Allele origin: germline.
Comment: In summary, the available evidence is currently insufficient to determine the role of this variant in disease. Therefore, it has been classified as a Variant of Uncertain Significance. Algorithms developed to predict the effect of missense changes on protein structure and function (SIFT, PolyPhen-2, Align-GVGD) all suggest that this variant is likely to be tolerated. This variant has not been reported in the literature in individuals affected with ZFYVE26-related conditions. This variant is present in population databases (rs749301920, gnomAD 0.0009%). This sequence change replaces serine, which is neutral and polar, with glycine, which is neutral and non-polar, at codon 1893 of the ZFYVE26 protein (p.Ser1893Gly).

NM_015346.4(ZFYVE26):c.5677A>G (p.Ser1893Gly)

Gene: ZFYVE26 (zinc finger FYVE-type containing 26; minus strand). Cytogenetic location: 14q24.1.
Variant type: single nucleotide variant.
Coding change: c.5677A>G on transcript NM_015346.4 (MANE Select); coding-DNA position 5677, A replaced by G.
Protein change: p.Ser1893Gly; replaces serine 1893 with glycine.
Molecular consequence: missense variant.
Genome position (GRCh38, 1-based): chr14:67,767,817, T>C on the plus strand (A>G on the coding strand, the complement: ZFYVE26 is on the minus strand). VCF-style: chr14-67767817-T-C. GRCh37 (hg19) VCF-style: chr14-68234534-T-C.
Other names: short protein forms S1893G.
Identifiers: ClinVar variation 1914035 (VCV001914035.5), dbSNP rs749301920, ClinGen allele CA7239415.